The following is an entry in ClinVar:

Single allele

Genes: ARHGDIG (Rho GDP dissociation inhibitor gamma; plus strand), AXIN1 (axin 1; minus strand), FAM234A (family with sequence similarity 234 member A; plus strand), HBA-LCR (alpha-globin locus control region; plus strand), HBA1 (hemoglobin subunit alpha 1; plus strand) and 26 more. Cytogenetic location: 16p13.3.
Variant type: Deletion.
Identifiers: ClinVar variation 4887962 (VCV004887962.1).

ClinVar aggregate classification (germline): Pathogenic (1 of 4 stars; one submission).

Conditions:
alpha Thalassemia. Also called: Alpha thalassemia spectrum. Identifiers: Orphanet 846, MedGen C0002312, MONDO:0011399, OMIM 604131.

Submission:

Rare Disease Research and Therapeutics Development Group, Institute of Molecular Genetics and Genetic Engineering, University of Belgrade
Classification: Pathogenic for alpha Thalassemia. Review status: criteria provided, single submitter. Criteria: ACMG/ClinGen CNV Guidelines, 2019. Collection method: research. Allele origin: germline. Affected: yes.
Comment: This ~300 kb deletion, involving the telomeric region of 16p, and encompassing not only the entire α-globin gene cluster, including HS-40 (associated with alpa0 thalassemia), but also the downstream RGS1 gene and flanking intergenic regions. Such alterations could have additional consequences for local chromatin organization, nuclear folding, or transcriptional stability.

Literature cited by the submitters: DOI 10.3390/ijms26188783.